The following is an entry in ClinVar:

ClinVar aggregate classification (germline): Uncertain significance (1 of 4 stars; one submission).

Conditions:
Thrombophilia due to protein C deficiency, autosomal dominant. Also called: PROC DEFICIENCY, AUTOSOMAL DOMINANT; PROTEIN C DEFICIENCY, AUTOSOMAL DOMINANT. Identifiers: Orphanet 745, MedGen C2674321, MONDO:0008316, OMIM 176860. Disease mechanism: loss of function.

Allele frequency attached by ClinVar (database versions not stated): gnomAD 0.00001; TOPMed 0.00001; gnomAD exomes 0.00002.
gnomAD v4.1: 29 of 1,613,670 alleles (0.0018%); highest among the groups gnomAD compares: Admixed American, 0.043%; no homozygotes.

Submission:

Labcorp Genetics (formerly Invitae), Labcorp
Classification: Uncertain significance for Thrombophilia due to protein C deficiency, autosomal dominant. Last evaluated: 2022-11-17. Review status: criteria provided, single submitter. Criteria: Invitae Variant Classification Sherloc (09022015). Collection method: clinical testing. Allele origin: germline.
Comment: This sequence change replaces threonine, which is neutral and polar, with isoleucine, which is neutral and non-polar, at codon 436 of the PROC protein (p.Thr436Ile). This variant is present in population databases (no rsID available, gnomAD 0.009%). This variant has not been reported in the literature in individuals affected with PROC-related conditions. Advanced modeling of protein sequence and biophysical properties (such as structural, functional, and spatial information, amino acid conservation, physicochemical variation, residue mobility, and thermodynamic stability) performed at Invitae indicates that this missense variant is expected to disrupt PROC protein function. In summary, the available evidence is currently insufficient to determine the role of this variant in disease. Therefore, it has been classified as a Variant of Uncertain Significance.

NM_000312.4(PROC):c.1307C>T (p.Thr436Ile)

Gene: PROC (protein C, inactivator of coagulation factors Va and VIIIa; plus strand). Cytogenetic location: 2q14.3.
Variant type: single nucleotide variant.
Coding change: c.1307C>T on transcript NM_000312.4 (MANE Select); coding-DNA position 1307, C replaced by T.
Protein change: p.Thr436Ile; replaces threonine 436 with isoleucine.
Molecular consequence: missense variant.
Genome position (GRCh38, 1-based): chr2:127,428,867, C>T. VCF-style: chr2-127428867-C-T. GRCh37 (hg19) VCF-style: chr2-128186443-C-T.
Other names: c.1490C>T, p.Thr497Ile (NM_001375602.1); c.1472C>T, p.Thr491Ile (NM_001375603.1); c.1370C>T, p.Thr457Ile (NM_001375604.1); c.1409C>T, p.Thr470Ile (NM_001375605.1); c.1475C>T, p.Thr492Ile (NM_001375606.1); c.1493C>T, p.Thr498Ile (NM_001375607.1); c.1250C>T, p.Thr417Ile (NM_001375608.1); c.1283C>T, p.Thr428Ile (NM_001375609.1); and 2 more; short protein forms T470I, T417I, T491I, T492I, T497I, T436I, T498I, T428I.
Identifiers: ClinVar variation 2749289 (VCV002749289.2), dbSNP rs1188357717, ClinGen allele CA348406632.